The following is an entry in ClinVar:

ClinVar aggregate classification (germline): Uncertain significance (1 of 4 stars; one submission).

Conditions:
Amyotrophic lateral sclerosis type 1 (ALS1). Also called: AMYOTROPHIC LATERAL SCLEROSIS 1, FAMILIAL. Identifiers: Orphanet 803, MedGen C1862939, MONDO:0007103, OMIM 105400.
Perry syndrome. Also called: PARKINSONISM WITH ALVEOLAR HYPOVENTILATION AND MENTAL DEPRESSION. Identifiers: Orphanet 178509, MedGen C1868594, MONDO:0008201, OMIM 168605.
Neuronopathy, distal hereditary motor, type 7B. Also called: HMN VIIB; Distal Hereditary Motor Neuronopathy Type 7B (dHMN7B); LOWER MOTOR NEURON DISEASE, DYNACTIN TYPE; NEURONOPATHY, DISTAL HEREDITARY MOTOR, AUTOSOMAL DOMINANT 14; NEURONOPATHY, DISTAL HEREDITARY MOTOR, HARDING TYPE VIIB; NEUROPATHY, DISTAL HEREDITARY MOTOR, HARDING TYPE VIIB. Identifiers: Orphanet 139589, MedGen C1843315, MONDO:0011879, OMIM 607641.

Submission:

Labcorp Genetics (formerly Invitae), Labcorp
Classification: Uncertain significance for Amyotrophic lateral sclerosis type 1; Neuronopathy, distal hereditary motor, type 7B; Perry syndrome. Last evaluated: 2021-09-17. Review status: criteria provided, single submitter. Criteria: Invitae Variant Classification Sherloc (09022015). Collection method: clinical testing. Allele origin: germline.
Comment: In summary, the available evidence is currently insufficient to determine the role of this variant in disease. Therefore, it has been classified as a Variant of Uncertain Significance. Algorithms developed to predict the effect of sequence changes on RNA splicing suggest that this variant may create or strengthen a splice site. Experimental studies and prediction algorithms are not available or were not evaluated, and the functional significance of this variant is currently unknown. This variant has not been reported in the literature in individuals affected with DCTN1-related conditions. This variant is not present in population databases (ExAC no frequency). This variant, c.1555_1557del, results in the deletion of 1 amino acid(s) of the DCTN1 protein (p.Lys519del), but otherwise preserves the integrity of the reading frame.

NM_004082.5(DCTN1):c.1552AAG[1] (p.Lys519del)

Gene: DCTN1 (dynactin subunit 1; minus strand). Cytogenetic location: 2p13.1.
Variant type: Microsatellite.
Coding change: c.1552AAG[1] on transcript NM_004082.5 (MANE Select); one copy of the 3-base unit AAG starting at c.1552; the reference has two copies in a row; one copy, 3 bases deleted.
Protein change: p.Lys519del; deletes lysine 519.
Molecular consequence: inframe deletion. On other transcripts: non-coding transcript variant (1).
Genome position (GRCh38, 1-based): chr2:74,369,327-74,369,329, CTT deleted on the plus strand (AAG on the coding strand, the reverse complement: DCTN1 is on the minus strand); deleting any 3 consecutive bases within chr2:74,369,327-74,369,332 gives the same sequence; the position shown is the placement nearest the transcript's 3' end. VCF-style (leftmost placement, unchanged base first): chr2-74369326-ACTT-A. GRCh37 (hg19) VCF-style: chr2-74596453-ACTT-A.
Other names: c.1492AAG[1], p.Lys499del (NM_001135040.3); c.1150AAG[1], p.Lys385del (NM_001135041.3, NM_023019.4); c.1441AAG[1], p.Lys482del (NM_001190836.2); c.1531AAG[1], p.Lys512del (NM_001190837.2); c.1501AAG[1], p.Lys502del (NM_001378991.1); c.1483AAG[1], p.Lys496del (NM_001378992.1); short protein forms K496del, K502del, K499del, K512del, K519del, K385del, K482del.
Identifiers: ClinVar variation 1471863 (VCV001471863.6), dbSNP rs2103645875, ClinGen allele CA2580611335.